The following is an entry in ClinVar:

ClinVar aggregate classification (germline): Uncertain significance (1 of 4 stars; one submission).

Conditions:
Adams-Oliver syndrome 5 (AOS5). Identifiers: Orphanet 974, MedGen C4014970, MONDO:0014459, OMIM 616028.

gnomAD v4.1: 5 of 1,613,226 alleles (0.00031%); highest among the groups gnomAD compares: Non-Finnish European, 0.00042%; no homozygotes.

Submission:

Labcorp Genetics (formerly Invitae), Labcorp
Classification: Uncertain significance for Adams-Oliver syndrome 5. Last evaluated: 2018-12-03. Review status: criteria provided, single submitter. Criteria: Invitae Variant Classification Sherloc (09022015). Collection method: clinical testing. Allele origin: germline.
Comment: In summary, the available evidence is currently insufficient to determine the role of this variant in disease. Therefore, it has been classified as a Variant of Uncertain Significance. Algorithms developed to predict the effect of missense changes on protein structure and function are either unavailable or do not agree on the potential impact of this missense change (SIFT: "Deleterious"; PolyPhen-2: "Probably Damaging"; Align-GVGD: "Class C0"). This variant has not been reported in the literature in individuals with NOTCH1-related conditions. This variant is not present in population databases (ExAC no frequency). This sequence change replaces asparagine with lysine at codon 956 of the NOTCH1 protein (p.Asn956Lys). The asparagine residue is highly conserved and there is a moderate physicochemical difference between asparagine and lysine.

NM_017617.5(NOTCH1):c.2868C>A (p.Asn956Lys)

Gene: NOTCH1 (notch receptor 1; minus strand). Cytogenetic location: 9q34.3.
Variant type: single nucleotide variant.
Coding change: c.2868C>A on transcript NM_017617.5 (MANE Select); coding-DNA position 2868, C replaced by A.
Protein change: p.Asn956Lys; replaces asparagine 956 with lysine.
Molecular consequence: missense variant.
Genome position (GRCh38, 1-based): chr9:136,509,834, G>T on the plus strand (C>A on the coding strand, the complement: NOTCH1 is on the minus strand). VCF-style: chr9-136509834-G-T. GRCh37 (hg19) VCF-style: chr9-139404286-G-T.
Other names: c.2868C>A, p.Asn956Lys (LRG_1122t1); short protein forms N956K.
Identifiers: ClinVar variation 642744 (VCV000642744.8), dbSNP rs760227470, ClinGen allele CA375553659.